The following is an entry in ClinVar:

NM_000057.4(BLM):c.647A>G (p.Glu216Gly)

Gene: BLM (BLM RecQ like helicase; plus strand). Cytogenetic location: 15q26.1.
Variant type: single nucleotide variant.
Coding change: c.647A>G on transcript NM_000057.4 (MANE Select); coding-DNA position 647, A replaced by G.
Protein change: p.Glu216Gly; replaces glutamic acid 216 with glycine.
Molecular consequence: missense variant. On other transcripts: 5 prime UTR variant (1).
Genome position (GRCh38, 1-based): chr15:90,749,915, A>G. VCF-style: chr15-90749915-A-G. GRCh37 (hg19) VCF-style: chr15-91293145-A-G.
Other names: c.647A>G, p.Glu216Gly (NM_001287246.2, NM_001287247.2); c.-645A>G (NM_001287248.2); short protein forms E216G.
Identifiers: ClinVar variation 3991659 (VCV003991659.1).

ClinVar aggregate classification (germline): Uncertain significance (1 of 4 stars; one submission).

Conditions:
Hereditary cancer-predisposing syndrome. Also called: Tumor predisposition; Hereditary neoplastic syndrome; Neoplastic Syndromes, Hereditary; Hereditary Cancer Syndrome. Identifiers: Orphanet 140162, MedGen C0027672, MeSH D009386, MONDO:0015356.

Submission:

Ambry Genetics
Classification: Uncertain significance for Hereditary cancer-predisposing syndrome. Last evaluated: 2025-05-02. Review status: criteria provided, single submitter. Criteria: Ambry Variant Classification Scheme 2023. Collection method: clinical testing. Allele origin: germline.
Comment: The p.E216G variant (also known as c.647A>G), located in coding exon 2 of the BLM gene, results from an A to G substitution at nucleotide position 647. The glutamic acid at codon 216 is replaced by glycine, an amino acid with similar properties. This amino acid position is conserved. In addition, this alteration is predicted to be tolerated by in silico analysis. Based on the available evidence, the clinical significance of this variant remains unclear.